The following is an entry in ClinVar:

NM_019892.6(INPP5E):c.*328T>C

Gene: INPP5E (inositol polyphosphate-5-phosphatase E; minus strand). Cytogenetic location: 9q34.3.
Variant type: single nucleotide variant.
Coding change: c.*328T>C on transcript NM_019892.6 (MANE Select); 328 bases downstream of the stop codon, T replaced by C.
Molecular consequence: 3 prime UTR variant.
Genome position (GRCh38, 1-based): chr9:136,429,347, A>G on the plus strand (T>C on the coding strand, the complement: INPP5E is on the minus strand). VCF-style: chr9-136429347-A-G. GRCh37 (hg19) VCF-style: chr9-139323799-A-G.
Other names: c.*328T>C (NM_001318502.2).
Identifiers: ClinVar variation 365875 (VCV000365875.7), dbSNP rs35763810, ClinGen allele CA10629599.

ClinVar aggregate classification (germline): Benign. Review status: criteria provided, multiple submitters, no conflicts (2 of 4 stars). 3 submissions from 3 submitters: Benign (3). Last evaluated 2018-06-14.

Conditions:
Joubert syndrome 1 (JBTS1). Also called: Cerebellooculorenal syndrome 1; CEREBELLOPARENCHYMAL DISORDER IV. Identifiers: MedGen C4551568, MONDO:0008944, OMIM 213300.

Allele frequency attached by ClinVar (database versions not stated): 1000 Genomes Project 30x 0.39350; gnomAD 0.41134; gnomAD exomes 0.41746; 1000 Genomes Project 0.38279; TOPMed 0.44239.
gnomAD v4.1: 184,172 of 437,152 alleles (42%); highest among the groups gnomAD compares: Admixed American, 54%; 40,394 homozygotes.

Submissions (3):

GeneDx
Classification: Benign. Last evaluated: 2018-06-14. Review status: criteria provided, single submitter. Criteria: GeneDx Variant Classification Process June 2021. Collection method: clinical testing. Allele origin: germline. Affected: yes.

Illumina Laboratory Services, Illumina
Classification: Benign for Joubert syndrome 1. Last evaluated: 2017-04-27. Review status: criteria provided, single submitter. Criteria: ICSL Variant Classification Criteria 13 December 2019. Collection method: clinical testing. Allele origin: germline.
Comment: This variant was observed as part of a predisposition screen in an ostensibly healthy population. A literature search was performed for the gene, cDNA change, and amino acid change (where applicable). No publications were found based on this search. Allele frequency data from public databases was too high to be consistent with this variant causing disease. Therefore, this variant is classified as benign.

Breakthrough Genomics
Classification: Benign. Review status: criteria provided, single submitter. Criteria: ACMG Guidelines, 2015. Collection method: not provided. Allele origin: germline. Inheritance: Autosomal recessive inheritance. Affected: yes.